The following is an entry in ClinVar:

ClinVar aggregate classification (germline): Uncertain significance (1 of 4 stars; one submission).

Submission:

GeneDx
Classification: Uncertain significance. Last evaluated: 2024-07-16. Review status: criteria provided, single submitter. Criteria: GeneDx Variant Classification Process June 2021. Collection method: clinical testing. Allele origin: germline. Affected: yes.
Comment: Not observed at significant frequency in large population cohorts (gnomAD); In silico analysis indicates that this missense variant does not alter protein structure/function; Has not been previously published as pathogenic or benign to our knowledge

NM_014363.6(SACS):c.13300G>A (p.Val4434Ile)

Gene: SACS (sacsin molecular chaperone; minus strand). Cytogenetic location: 13q12.12.
Variant type: single nucleotide variant.
Coding change: c.13300G>A on transcript NM_014363.6 (MANE Select); coding-DNA position 13300, G replaced by A.
Protein change: p.Val4434Ile; replaces valine 4434 with isoleucine.
Molecular consequence: missense variant.
Genome position (GRCh38, 1-based): chr13:23,330,576, C>T on the plus strand (G>A on the coding strand, the complement: SACS is on the minus strand). VCF-style: chr13-23330576-C-T. GRCh37 (hg19) VCF-style: chr13-23904715-C-T.
Other names: c.12859G>A, p.Val4287Ile (NM_001278055.2); short protein forms V4287I, V4434I.
Identifiers: ClinVar variation 3573740 (VCV003573740.1).
Genomic context (GRCh38, chr13:23,330,576, plus strand): 5'-CTTGTCTTAGCCATCTGCGTGCTTCCACTGGATTGCCAACCGACTTGAAAGTGGGAGGAA[C>T]AAAGAACCTTTGAGAGTAAGTCTGTCCGGCTGAAGGGGGGCATTTTTCTTTGTTCTGTTG-3'
Protein context (NP_055178.3, residues 4424-4444): AGQTYSQRFF[Val4434Ile]PPTFKSVGNP